The following is an entry in ClinVar:

NM_024548.4(CEP97):c.964A>G (p.Arg322Gly)

Gene: CEP97 (centrosomal protein 97; plus strand). Cytogenetic location: 3q12.3.
Variant type: single nucleotide variant.
Coding change: c.964A>G on transcript NM_024548.4 (MANE Select); coding-DNA position 964, A replaced by G.
Protein change: p.Arg322Gly; replaces arginine 322 with glycine.
Molecular consequence: missense variant.
Genome position (GRCh38, 1-based): chr3:101,757,133, A>G. VCF-style: chr3-101757133-A-G. GRCh37 (hg19) VCF-style: chr3-101475977-A-G.
Other names: c.964A>G, p.Arg322Gly (NM_001303401.2); c.862A>G, p.Arg288Gly (NM_001410784.1, NM_001410785.1); short protein forms R288G, R322G.
Identifiers: ClinVar variation 2190179 (VCV002190179.4), dbSNP rs781563241, ClinGen allele CA2522038.

ClinVar aggregate classification (germline): Uncertain significance (1 of 4 stars; one submission).

Allele frequency attached by ClinVar (database versions not stated): ExAC 0.00003; gnomAD exomes 0.00003; gnomAD 0.00005; TOPMed 0.00008.
gnomAD v4.1: 49 of 1,613,446 alleles (0.003%); highest among the groups gnomAD compares: Admixed American, 0.022%; no homozygotes.

Submission:

Labcorp Genetics (formerly Invitae), Labcorp
Classification: Uncertain significance. Last evaluated: 2025-07-13. Review status: criteria provided, single submitter. Criteria: Invitae Variant Classification Sherloc (09022015). Collection method: clinical testing. Allele origin: germline.
Comment: This sequence change replaces arginine, which is basic and polar, with glycine, which is neutral and non-polar, at codon 322 of the CEP97 protein (p.Arg322Gly). This variant is present in population databases (rs781563241, gnomAD 0.009%). This variant has not been reported in the literature in individuals affected with CEP97-related conditions. ClinVar contains an entry for this variant (Variation ID: 2190179). Invitae Evidence Modeling of protein sequence and biophysical properties (such as structural, functional, and spatial information, amino acid conservation, physicochemical variation, residue mobility, and thermodynamic stability) indicates that this missense variant is not expected to disrupt CEP97 protein function with a negative predictive value of 80%. Algorithms developed to predict the effect of sequence changes on RNA splicing suggest that this variant may create or strengthen a splice site. In summary, the available evidence is currently insufficient to determine the role of this variant in disease. Therefore, it has been classified as a Variant of Uncertain Significance.